The following is an entry in ClinVar:

ClinVar aggregate classification (germline): Likely benign (1 of 4 stars; one submission).

Submission:

GeneDx
Classification: Likely benign. Last evaluated: 2018-03-12. Review status: criteria provided, single submitter. Criteria: GeneDx Variant Classification (06012015). Collection method: clinical testing. Allele origin: germline. Affected: yes.
Comment: This variant is considered likely benign or benign based on one or more of the following criteria: it is a conservative change, it occurs at a poorly conserved position in the protein, it is predicted to be benign by multiple in silico algorithms, and/or has population frequency not consistent with disease.

NM_001347721.2(DYRK1A):c.1519+14_1519+20dup

Gene: DYRK1A (dual specificity tyrosine phosphorylation regulated kinase 1A; plus strand). Cytogenetic location: 21q22.13.
Variant type: Duplication.
Coding change: c.1519+14_1519+20dup on transcript NM_001347721.2 (MANE Select); bases 14 to 20 of the intron after coding-DNA position 1519, 7 bases duplicated (CGGTTAG; older notation c.1519+14_1519+20dupCGGTTAG).
Molecular consequence: intron variant.
Genome position (GRCh38, 1-based): chr21:37,505,603-37,505,609, CGGTTAG duplicated; duplicating any 7 consecutive bases within chr21:37,505,602-37,505,609 gives the same sequence; the c. name uses the placement nearest the transcript's 3' end. VCF-style (leftmost placement, unchanged base first): chr21-37505601-T-TGCGGTTA. GRCh37 (hg19) VCF-style: chr21-38877904-T-TGCGGTTA.
Other names: c.1546+14_1546+20dup (NM_001396.5, NM_101395.2, NM_130438.2); c.1519+14_1519+20dup (NM_001347722.2, NM_130436.2); c.1432+14_1432+20dup (NM_001347723.2); c.1546+14_1546+20dupCGGTTAG (NM_001396.3).
Identifiers: ClinVar variation 515971 (VCV000515971.1), dbSNP rs1265719325, ClinGen allele CA638056134.